The following is an entry in ClinVar:

NM_000215.4(JAK3):c.2349A>T (p.Ser783=)

Gene: JAK3 (Janus kinase 3; minus strand). Cytogenetic location: 19p13.11.
Variant type: single nucleotide variant.
Coding change: c.2349A>T on transcript NM_000215.4 (MANE Select); coding-DNA position 2349, A replaced by T.
Protein change: p.Ser783=; no amino-acid change (serine 783 retained).
Molecular consequence: synonymous variant.
Genome position (GRCh38, 1-based): chr19:17,834,572, T>A on the plus strand (A>T on the coding strand, the complement: JAK3 is on the minus strand). VCF-style: chr19-17834572-T-A. GRCh37 (hg19) VCF-style: chr19-17945381-T-A.
Identifiers: ClinVar variation 2140128 (VCV002140128.4), dbSNP rs2147681279, ClinGen allele CA506003795.

ClinVar aggregate classification (germline): Uncertain significance (1 of 4 stars; one submission).

Conditions:
T-B+ severe combined immunodeficiency due to JAK3 deficiency. Also called: SCID, autosomal recessive, T-negative/B-positive type; SCID, T CELL-NEGATIVE, B CELL-POSITIVE, NK CELL-NEGATIVE. Identifiers: Orphanet 35078, MedGen C1833275, MONDO:0010938, OMIM 600802.

Submission:

Labcorp Genetics (formerly Invitae), Labcorp
Classification: Uncertain significance for T-B+ severe combined immunodeficiency due to JAK3 deficiency. Last evaluated: 2022-07-19. Review status: criteria provided, single submitter. Criteria: Invitae Variant Classification Sherloc (09022015). Collection method: clinical testing. Allele origin: germline.
Comment: In summary, the available evidence is currently insufficient to determine the role of this variant in disease. Therefore, it has been classified as a Variant of Uncertain Significance. Algorithms developed to predict the effect of sequence changes on RNA splicing suggest that this variant is not likely to affect RNA splicing. This variant has not been reported in the literature in individuals affected with JAK3-related conditions. This variant is not present in population databases (gnomAD no frequency). This sequence change affects codon 783 of the JAK3 mRNA. It is a 'silent' change, meaning that it does not change the encoded amino acid sequence of the JAK3 protein. It affects a nucleotide within the consensus splice site.